The following is an entry in ClinVar:

ClinVar aggregate classification (germline): Uncertain significance (1 of 4 stars; one submission).

Conditions:
Ehlers-Danlos syndrome, type 4 (EDSVASC). Also called: Ehlers-Danlos Syndrome Type IV; Ehlers-Danlos syndrome vascular type; Ehlers Danlos syndrome, ecchymotic type; Ehlers Danlos syndrome, arterial type; Ehlers Danlos syndrome, Sack-Barabas type. Identifiers: Orphanet 286, MedGen C0268338, MONDO:0017314, OMIM 130050.

Submission:

All of Us Research Program, National Institutes of Health
Classification: Uncertain significance for Ehlers-Danlos syndrome, type 4. Last evaluated: 2023-11-02. Review status: criteria provided, single submitter. Criteria: ACMG Guidelines, 2015. Collection method: clinical testing. Allele origin: germline. Inheritance: Autosomal dominant inheritance. Observed: 1 variant allele, 1 heterozygote.
Comment: This missense variant replaces serine with isoleucine at codon 1067 of the COL3A1 protein. Computational prediction suggests that this variant may not impact protein structure and function (internally defined REVEL score threshold <= 0.5, PMID: 27666373). To our knowledge, functional studies have not been reported for this variant. This variant has not been reported in individuals affected with COL3A1-related disorders in the literature. This variant has not been identified in the general population by the Genome Aggregation Database (gnomAD). The available evidence is insufficient to determine the role of this variant in disease conclusively. Therefore, this variant is classified as a Variant of Uncertain Significance.

This study involves interpretation of variants in research participants for the purpose of population health screening. Participant phenotype was not available at the time of variant classification. Additional details can be found in publication PMID: 35346344, PMCID: PMC8962531

NM_000090.4(COL3A1):c.3200G>T (p.Ser1067Ile)

Gene: COL3A1 (collagen type III alpha 1 chain; plus strand). Cytogenetic location: 2q32.2.
Variant type: single nucleotide variant.
Coding change: c.3200G>T on transcript NM_000090.4 (MANE Select); coding-DNA position 3200, G replaced by T.
Protein change: p.Ser1067Ile; replaces serine 1067 with isoleucine.
Molecular consequence: missense variant.
Genome position (GRCh38, 1-based): chr2:189,006,451, G>T. VCF-style: chr2-189006451-G-T. GRCh37 (hg19) VCF-style: chr2-189871177-G-T.
Other names: short protein forms S1067I.
Identifiers: ClinVar variation 3074299 (VCV003074299.1), dbSNP rs886039067, ClinGen allele CA349845213.
Genomic context (GRCh38, chr2:189,006,451, plus strand): 5'-GTCATCCAGGCCCACCTGGTCCTGTCGGTCCAGCTGGAAAGAGTGGTGACAGAGGAGAAA[G>T]TGTGAGTTCCCAAAAGCAGCATCTGTCTTGTTTGTCTATTTCCTTCAATAAAGACATTTG-3'
Protein context (NP_000081.2, residues 1057-1077): PAGKSGDRGE[Ser1067Ile]GPAGPAGAPG